The following is an entry in ClinVar:

NM_004415.4(DSP):c.7077C>T (p.Ile2359=)

Gene: DSP (desmoplakin; plus strand). Cytogenetic location: 6p24.3.
Variant type: single nucleotide variant.
Coding change: c.7077C>T on transcript NM_004415.4 (MANE Select); coding-DNA position 7077, C replaced by T.
Protein change: p.Ile2359=; no amino-acid change (isoleucine 2359 retained).
Molecular consequence: synonymous variant.
Genome position (GRCh38, 1-based): chr6:7,584,339, C>T. VCF-style: chr6-7584339-C-T. GRCh37 (hg19) VCF-style: chr6-7584572-C-T.
Other names: c.5280C>T, p.Ile1760= (NM_001008844.3); c.5748C>T, p.Ile1916= (NM_001319034.2); c.7077C>T (LRG_423t1, NM_004415.3).
Identifiers: ClinVar variation 379010 (VCV000379010.18), dbSNP rs966841386, ClinGen allele CA16605089.

ClinVar aggregate classification (germline): Likely benign. Review status: criteria provided, multiple submitters, no conflicts (2 of 4 stars). 5 submissions from 5 submitters: Likely benign (5). Last evaluated 2026-04-15.

Conditions:
DSP-related disorder. Also called: DSP-related disorders; DSP-related condition.
Cardiovascular phenotype. Identifiers: MedGen CN230736.
Arrhythmogenic right ventricular dysplasia 8 (ARVD8). Also called: ARRHYTHMOGENIC RIGHT VENTRICULAR DYSPLASIA, FAMILIAL, 8; ARRHYTHMOGENIC RIGHT VENTRICULAR CARDIOMYOPATHY 8; Arrhythmogenic Right Ventricular Dysplasia/Cardiomyopathy 8. Identifiers: MedGen C1843896, MONDO:0011831, OMIM 607450.
Arrhythmogenic cardiomyopathy with wooly hair and keratoderma. Also called: PALMOPLANTAR KERATODERMA WITH LEFT VENTRICULAR CARDIOMYOPATHY AND WOOLLY HAIR; Carvajal syndrome; Arrhythmogenic cardiomyopathy with woolly hair and keratoderma; Dilated cardiomyopathy with woolly hair and keratoderma. Identifiers: Orphanet 65282, MedGen C1854063, MONDO:0011581, OMIM 605676.
Cardiomyopathy (CMYO). Also called: Cardiomyopathies. Identifiers: Orphanet 167848, MedGen C0878544, MONDO:0004994, HP:0001638. Inheritance: Various modes of inheritance.

Allele frequency attached by ClinVar (database versions not stated): gnomAD exomes 0.00001 and 0.00002; gnomAD 0.00008 and 0.00009; TOPMed 0.00019.
gnomAD v4.1: 28 of 1,613,934 alleles (0.0017%); highest among the groups gnomAD compares: Admixed American, 0.028%; no homozygotes.

Submissions (5):

PreventionGenetics, part of Exact Sciences
Classification: Likely benign for DSP-related condition. Last evaluated: 2026-04-15. Review status: criteria provided, single submitter. Criteria: ACMG Guidelines, 2015. Collection method: clinical testing. Allele origin: germline.
Comment: This variant is classified as likely benign based on ACMG/AMP sequence variant interpretation guidelines (Richards et al. 2015 PMID: 25741868, with internal and published modifications).

Labcorp Genetics (formerly Invitae), Labcorp
Classification: Likely benign for Arrhythmogenic cardiomyopathy with wooly hair and keratoderma; Arrhythmogenic right ventricular dysplasia 8. Last evaluated: 2025-11-10. Review status: criteria provided, single submitter. Criteria: Invitae Variant Classification Sherloc (09022015). Collection method: clinical testing. Allele origin: germline.

Ambry Genetics
Classification: Likely benign for Cardiovascular phenotype. Last evaluated: 2019-05-08. Review status: criteria provided, single submitter. Criteria: Ambry Variant Classification Scheme 2023. Collection method: clinical testing. Allele origin: germline.

GeneDx
Classification: Likely benign. Last evaluated: 2019-01-02. Review status: criteria provided, single submitter. Criteria: GeneDx Variant Classification Process June 2021. Collection method: clinical testing. Allele origin: germline. Affected: yes.

Color Diagnostics, LLC DBA Color Health
Classification: Likely benign for Cardiomyopathy. Last evaluated: 2018-06-18. Review status: criteria provided, single submitter. Criteria: ACMG Guidelines, 2015. Collection method: clinical testing. Allele origin: germline.